The following is an entry in ClinVar:

NM_001261826.3(AP3D1):c.1869G>A (p.Leu623=)

Gene: AP3D1 (adaptor related protein complex 3 subunit delta 1; minus strand). Cytogenetic location: 19p13.3.
Variant type: single nucleotide variant.
Coding change: c.1869G>A on transcript NM_001261826.3 (MANE Select); coding-DNA position 1869, G replaced by A.
Protein change: p.Leu623=; no amino-acid change (leucine 623 retained).
Molecular consequence: synonymous variant.
Genome position (GRCh38, 1-based): chr19:2,116,737, C>T on the plus strand (G>A on the coding strand, the complement: AP3D1 is on the minus strand). VCF-style: chr19-2116737-C-T. GRCh37 (hg19) VCF-style: chr19-2116736-C-T.
Other names: p.Leu623=; c.1869G>A, p.Leu623= (NM_001374799.1, NM_003938.8).
Identifiers: ClinVar variation 737706 (VCV000737706.14), dbSNP rs374053726, ClinGen allele CA9059143.

ClinVar aggregate classification (germline): Likely benign. Review status: criteria provided, multiple submitters, no conflicts (2 of 4 stars). 5 submissions from 5 submitters: Likely benign (4). 1 of the submissions does not count toward it. Last evaluated 2026-01-27.

Conditions:
AP3D1-related disorder. Also called: AP3D1-related condition.

Allele frequency attached by ClinVar (database versions not stated): gnomAD exomes 0.00036 and 0.00062; 1000 Genomes Project 0.00040; gnomAD 0.00044 and 0.00045; 1000 Genomes Project 30x 0.00047; ExAC 0.00050; TOPMed 0.00052; ESP Exome Variant Server 0.00071.
gnomAD v4.1: 958 of 1,609,980 alleles (0.06%); highest among the groups gnomAD compares: Middle Eastern, 0.1%; 1 homozygote.

Submissions (5):

Labcorp Genetics (formerly Invitae), Labcorp
Classification: Likely benign. Last evaluated: 2026-01-27. Review status: criteria provided, single submitter. Criteria: Invitae Variant Classification Sherloc (09022015). Collection method: clinical testing. Allele origin: germline.

Women's Health and Genetics/Laboratory Corporation of America, LabCorp
Classification: Likely benign. Last evaluated: 2025-11-19. Review status: criteria provided, single submitter. Criteria: LabCorp Variant Classification Summary - May 2015. Collection method: clinical testing. Allele origin: germline.

Mayo Clinic Laboratories, Mayo Clinic
Classification: Likely benign. Last evaluated: 2025-09-03. Review status: criteria provided, single submitter. Criteria: ACMG Guidelines, 2015. Collection method: clinical testing. Allele origin: germline. Observed: 5 variant alleles.
Comment: BP4, BP7

Blueprint Genetics
Classification: Likely benign. Last evaluated: 2024-10-17. Review status: criteria provided, single submitter. Criteria: ACMG Guidelines, 2015. Collection method: clinical testing. Allele origin: germline.

PreventionGenetics, part of Exact Sciences
Classification: Likely benign for AP3D1-related condition. Last evaluated: 2019-10-14. Review status: no assertion criteria provided. Collection method: clinical testing. Allele origin: germline. Not counted in ClinVar's aggregate classification.
Comment: This variant is classified as likely benign based on ACMG/AMP sequence variant interpretation guidelines (Richards et al. 2015 PMID: 25741868, with internal and published modifications).